The following is an entry in ClinVar:

ClinVar aggregate classification (germline): Conflicting classifications of pathogenicity. Review status: criteria provided, conflicting classifications (1 of 4 stars). 2 submissions from 2 submitters: Likely pathogenic (1); Uncertain significance (1). Last evaluated 2025-11-04.

Conditions:
Sitosterolemia 2. Identifiers: MedGen C5231453, MONDO:0020748, OMIM 618666.
Sitosterolemia (STSL). Also called: PHYTOSTEROLEMIA. Identifiers: Orphanet 2882, MedGen C0342907, MONDO:0008863.

Allele frequency attached by ClinVar (database versions not stated): gnomAD exomes 0.00002; gnomAD 0.00001; TOPMed 0.00001.

Submissions (2):

Labcorp Genetics (formerly Invitae), Labcorp
Classification: Likely pathogenic for Sitosterolemia. Last evaluated: 2025-11-04. Review status: criteria provided, single submitter. Criteria: Invitae Variant Classification Sherloc (09022015). Collection method: clinical testing. Allele origin: germline.
Comment: This sequence change falls in intron 11 of the ABCG5 gene. It does not directly change the encoded amino acid sequence of the ABCG5 protein. It affects a nucleotide within the consensus splice site. This variant is not present in population databases (gnomAD no frequency). This variant has been observed in individual(s) with sitosterolemia (PMID: 16029460). In at least one individual the data is consistent with being in trans (on the opposite chromosome) from a pathogenic variant. It has also been observed to segregate with disease in related individuals. ClinVar contains an entry for this variant (Variation ID: 1699077). Variants that disrupt the consensus splice site are a relatively common cause of aberrant splicing (PMID: 17576681, 9536098). Algorithms developed to predict the effect of sequence changes on RNA splicing suggest that this variant may disrupt the consensus splice site. In summary, the currently available evidence indicates that the variant is pathogenic, but additional data are needed to prove that conclusively. Therefore, this variant has been classified as Likely Pathogenic.

Victorian Clinical Genetics Services, Murdoch Childrens Research Institute
Classification: Uncertain significance for Sitosterolemia 2. Last evaluated: 2022-06-24. Review status: criteria provided, single submitter. Criteria: ACMG Guidelines, 2015. Collection method: clinical testing. Allele origin: germline. Inheritance: Autosomal recessive inheritance. Affected: yes.
Comment: Based on the classification scheme VCGS_Germline_v1.3.4, this variant is classified as VUS-3A. Following criteria are met: 0102 - Loss of function is a likely mechanism of disease in this gene and is associated with sitosterolemia 2 (MIM#618666). (I) 0106 - This gene is associated with autosomal recessive disease. (I) 0212 - Non-canonical splice site variant without proven consequence on splicing (no functional evidence available). (SP) 0251 - This variant is heterozygous. (I) 0304 - Variant is present in gnomAD (v3) <0.01 for a recessive condition (1 heterozygote, 0 homozygotes). (SP) 0505 - Abnormal splicing is predicted by in silico tools and affected nucleotide is highly conserved. (SP) 0705 - No comparable splice variants have previous evidence for pathogenicity. (I) 0803 - This variant has limited previous evidence of pathogenicity in an unrelated individual. This variant has been observed in two compound heterozygous siblings with phytosterolaemia (reported using alternative nomenclature, IVS11+3insT) (PMID: 16029460). This variant has also been classified as a VUS (LOVD). (SP) 0906 - Segregation evidence for this variant is inconclusive. This variant segregated in two affected siblings however, more meioses are required to establish the significance (PMID: 16029460). (I) 1007 - No published functional evidence has been identified for this variant. (I) 1208 - Inheritance information for this variant is not currently available in this individual. (I) Legend: (SP) - Supporting pathogenic, (I) - Information, (SB) - Supporting benign

Literature cited by the submitters: PubMed 16029460 (cited by Labcorp Genetics (formerly Invitae), Labcorp and Victorian Clinical Genetics Services, Murdoch Childrens Research Institute); PubMed 17576681 (cited by Labcorp Genetics (formerly Invitae), Labcorp); PubMed 9536098 (cited by Labcorp Genetics (formerly Invitae), Labcorp).

NM_022436.3(ABCG5):c.1649+2dup

Genes: ABCG5 (ATP binding cassette subfamily G member 5; minus strand), DYNC2LI1 (dynein cytoplasmic 2 light intermediate chain 1; plus strand). Cytogenetic location: 2p21.
Variant type: Duplication.
Coding change: c.1649+2dup on transcript NM_022436.3 (MANE Select); the canonical splice donor site of the intron after coding-DNA position 1649, one base duplicated (T; older notation c.1649+2dupT).
Molecular consequence: splice donor variant. On other transcripts: intron variant (2).
Genome position (GRCh38, 1-based): chr2:43,819,913, A duplicated on the plus strand (T on the coding strand, the reverse complement: ABCG5 is on the minus strand). VCF-style (leftmost placement, unchanged base first): chr2-43819912-T-TA. GRCh37 (hg19) VCF-style: chr2-44047051-T-TA.
Other names: c.*16-7473dup (NM_001348913.2, NM_001348912.2).
Identifiers: ClinVar variation 1699077 (VCV001699077.3), dbSNP rs748047359, ClinGen allele CA46454856.